The following is an entry in ClinVar:

ClinVar aggregate classification (germline): Uncertain significance. Review status: criteria provided, multiple submitters, no conflicts (2 of 4 stars). 4 submissions from 4 submitters: Uncertain significance (4). Last evaluated 2026-09-07.

Conditions:
SLC10A2-related disorder. Also called: SLC10A2-related condition.

Allele frequency attached by ClinVar (database versions not stated): gnomAD exomes 0.00005 and 0.00014; gnomAD 0.00011; ExAC 0.00016; TOPMed 0.00019.
gnomAD v4.1: 107 of 1,606,158 alleles (0.0067%); highest among the groups gnomAD compares: Middle Eastern, 0.12%; 1 homozygote.

Submissions (4):

PreventionGenetics, part of Exact Sciences
Classification: Uncertain significance for SLC10A2-related condition. Last evaluated: 2026-09-07. Review status: criteria provided, single submitter. Criteria: ACMG Guidelines, 2015. Collection method: clinical testing. Allele origin: germline.
Comment: The SLC10A2 c.515T>C variant is predicted to result in the amino acid substitution p.Leu172Pro. To our knowledge, this variant has not been reported in the literature. This variant is reported in 0.051% of alleles in individuals of Latino descent in gnomAD. Although we suspect that this variant may be benign, at this time, the clinical significance of this variant is uncertain due to the absence of conclusive functional and genetic evidence.

Labcorp Genetics (formerly Invitae), Labcorp
Classification: Uncertain significance. Last evaluated: 2025-11-24. Review status: criteria provided, single submitter. Criteria: Invitae Variant Classification Sherloc (09022015). Collection method: clinical testing. Allele origin: germline.
Comment: This sequence change replaces leucine, which is neutral and non-polar, with proline, which is neutral and non-polar, at codon 172 of the SLC10A2 protein (p.Leu172Pro). This variant is present in population databases (rs764173717, gnomAD 0.05%). This variant has not been reported in the literature in individuals affected with SLC10A2-related conditions. ClinVar contains an entry for this variant (Variation ID: 595895). Invitae Evidence Modeling of protein sequence and biophysical properties (such as structural, functional, and spatial information, amino acid conservation, physicochemical variation, residue mobility, and thermodynamic stability) indicates that this missense variant is expected to disrupt SLC10A2 protein function with a positive predictive value of 80%. In summary, the available evidence is currently insufficient to determine the role of this variant in disease. Therefore, it has been classified as a Variant of Uncertain Significance.

Blueprint Genetics
Classification: Uncertain significance. Last evaluated: 2024-11-25. Review status: criteria provided, single submitter. Criteria: ACMG Guidelines, 2015. Collection method: clinical testing. Allele origin: germline.

Eurofins Ntd Llc (ga)
Classification: Uncertain significance. Last evaluated: 2018-01-26. Review status: criteria provided, single submitter. Criteria: EGL Classification Definitions 2015. Collection method: clinical testing. Allele origin: germline. Observed: 2 variant alleles, 2 heterozygotes.

NM_000452.3(SLC10A2):c.515T>C (p.Leu172Pro)

Gene: SLC10A2 (solute carrier family 10 member 2; minus strand). Cytogenetic location: 13q33.1.
Variant type: single nucleotide variant.
Coding change: c.515T>C on transcript NM_000452.3 (MANE Select); coding-DNA position 515, T replaced by C.
Protein change: p.Leu172Pro; replaces leucine 172 with proline.
Molecular consequence: missense variant.
Genome position (GRCh38, 1-based): chr13:103,052,690, A>G on the plus strand (T>C on the coding strand, the complement: SLC10A2 is on the minus strand). VCF-style: chr13-103052690-A-G. GRCh37 (hg19) VCF-style: chr13-103705040-A-G.
Other names: c.515T>C (NM_000452.2); short protein forms L172P.
Identifiers: ClinVar variation 595895 (VCV000595895.11), dbSNP rs764173717, ClinGen allele CA7042173.